The following is an entry in ClinVar:

NM_004990.4(MARS1):c.415-5C>A

Gene: MARS1 (methionyl-tRNA synthetase 1; plus strand). Cytogenetic location: 12q13.3.
Variant type: single nucleotide variant.
Coding change: c.415-5C>A on transcript NM_004990.4 (MANE Select); 5 bases into the intron before coding-DNA position 415, C replaced by A.
Molecular consequence: intron variant.
Genome position (GRCh38, 1-based): chr12:57,489,891, C>A. VCF-style: chr12-57489891-C-A. GRCh37 (hg19) VCF-style: chr12-57883674-C-A.
Identifiers: ClinVar variation 508936 (VCV000508936.15), dbSNP rs747351446, ClinGen allele CA6650175.

ClinVar aggregate classification (germline): Likely benign. Review status: criteria provided, multiple submitters, no conflicts (2 of 4 stars). 4 submissions from 4 submitters: Likely benign (4). Last evaluated 2026-01-12.

Conditions:
Severe early-onset pulmonary alveolar proteinosis due to MARS deficiency. Also called: PULMONARY ALVEOLAR PROTEINOSIS, REUNION ISLAND; Interstitial lung and liver disease. Identifiers: Orphanet 440427, MedGen C4225400, MONDO:0014206, OMIM 615486.
Charcot-Marie-Tooth disease axonal type 2U. Also called: CHARCOT-MARIE-TOOTH NEUROPATHY, TYPE 2U; CHARCOT-MARIE-TOOTH DISEASE, AXONAL, AUTOSOMAL DOMINANT, TYPE 2U. Identifiers: Orphanet 397735, MedGen C4084821, MONDO:0014566, OMIM 616280.
MARS1-related disorder. Also called: MARS1-related condition.
Charcot-Marie-Tooth disease. Also called: Charcot-Marie-Tooth Neuropathy; Charcot-Marie-Tooth Hereditary Neuropathy. Identifiers: Orphanet 166, MedGen C0007959, MONDO:0015626.

Allele frequency attached by ClinVar (database versions not stated): gnomAD 0.00025; TOPMed 0.00029.
gnomAD v4.1: 103 of 1,613,266 alleles (0.0064%); highest among the groups gnomAD compares: African/African-American, 0.1%; no homozygotes.

Submissions (4):

Labcorp Genetics (formerly Invitae), Labcorp
Classification: Likely benign for Charcot-Marie-Tooth disease axonal type 2U; Severe early-onset pulmonary alveolar proteinosis due to MARS deficiency. Last evaluated: 2026-01-12. Review status: criteria provided, single submitter. Criteria: Invitae Variant Classification Sherloc (09022015). Collection method: clinical testing. Allele origin: germline.

PreventionGenetics, part of Exact Sciences
Classification: Likely benign for MARS1-related condition. Last evaluated: 2025-03-07. Review status: criteria provided, single submitter. Criteria: ACMG Guidelines, 2015. Collection method: clinical testing. Allele origin: germline.
Comment: This variant is classified as likely benign based on ACMG/AMP sequence variant interpretation guidelines (Richards et al. 2015 PMID: 25741868, with internal and published modifications).

GeneDx
Classification: Likely benign. Last evaluated: 2021-03-17. Review status: criteria provided, single submitter. Criteria: GeneDx Variant Classification Process June 2021. Collection method: clinical testing. Allele origin: germline. Affected: yes.

Molecular Genetics Laboratory, London Health Sciences Centre
Classification: Likely benign for Charcot-Marie-Tooth disease. Review status: criteria provided, single submitter. Criteria: ACMG Guidelines, 2015. Collection method: clinical testing. Allele origin: germline. Affected: yes.